The following is an entry in ClinVar:

ClinVar aggregate classification (germline): Uncertain significance (1 of 4 stars; one submission).

gnomAD v4.1: 14 of 1,614,026 alleles (0.00087%); highest among the groups gnomAD compares: African/African-American, 0.004%; no homozygotes.

Submission:

GeneDx
Classification: Uncertain significance. Last evaluated: 2020-01-03. Review status: criteria provided, single submitter. Criteria: GeneDx Variant Classification Process June 2021. Collection method: clinical testing. Allele origin: germline. Affected: yes.
Comment: Not observed in large population cohorts (Lek et al., 2016); In silico analysis, which includes protein predictors and evolutionary conservation, supports a deleterious effect; Has not been previously published as pathogenic or benign to our knowledge

NM_001384732.1(CPLANE1):c.7079C>G (p.Pro2360Arg)

Gene: CPLANE1 (ciliogenesis and planar polarity effector complex subunit 1; minus strand). Cytogenetic location: 5p13.2.
Variant type: single nucleotide variant.
Coding change: c.7079C>G on transcript NM_001384732.1 (MANE Select); coding-DNA position 7079, C replaced by G.
Protein change: p.Pro2360Arg; replaces proline 2360 with arginine.
Molecular consequence: missense variant.
Genome position (GRCh38, 1-based): chr5:37,168,945, G>C on the plus strand (C>G on the coding strand, the complement: CPLANE1 is on the minus strand). VCF-style: chr5-37168945-G-C. GRCh37 (hg19) VCF-style: chr5-37169047-G-C.
Other names: c.7079C>G, p.Pro2360Arg (NM_023073.4); short protein forms P2360R.
Identifiers: ClinVar variation 1311107 (VCV001311107.2), dbSNP rs779569678, ClinGen allele CA359478279.